The following is an entry in ClinVar:

NM_001267550.2(TTN):c.35629+2T>G

Gene: TTN (titin; minus strand). Cytogenetic location: 2q31.2.
Variant type: single nucleotide variant.
Coding change: c.35629+2T>G on transcript NM_001267550.2 (MANE Select); the canonical splice donor site of the intron after coding-DNA position 35629, T replaced by G.
Molecular consequence: splice donor variant. On other transcripts: intron variant (5).
Genome position (GRCh38, 1-based): chr2:178,667,636, A>C on the plus strand (T>G on the coding strand, the complement: TTN is on the minus strand). VCF-style: chr2-178667636-A-C. GRCh37 (hg19) VCF-style: chr2-179532363-A-C.
Other names: c.13283-25319T>G (NM_003319.4); c.13859-25319T>G (NM_133437.4); c.13658-25319T>G (NM_133432.3); c.31483+2582T>G (NM_133378.4); c.34264+2582T>G (NM_001256850.1).
Identifiers: ClinVar variation 3749034 (VCV003749034.2).
Genomic context (GRCh38, chr2:178,667,636, plus strand): 5'-GAGCTTTTTAAAAGGGGCCAAAAAATAATTTTTCTTCAGAGTGGATCATTGGTGTTATAT[A>C]CCTTTTGCTAGTTTGGGTTTTGTCTTTTGAGGTTGAGTCACAAGTACTTTTTCTTCTAGG-3'

ClinVar aggregate classification (germline): Likely pathogenic (1 of 4 stars; one submission).

Conditions:
Dilated cardiomyopathy 1G (CMD1G). Identifiers: Orphanet 154, MedGen C1858763, MONDO:0011400, OMIM 604145.
Autosomal recessive limb-girdle muscular dystrophy type 2J (LGMDR10). Also called: Limb-girdle muscular dystrophy, type 2J; MUSCULAR DYSTROPHY, LIMB-GIRDLE, AUTOSOMAL RECESSIVE 10. Identifiers: Orphanet 140922, MedGen C1837342, MONDO:0012127, OMIM 608807.

Submission:

Labcorp Genetics (formerly Invitae), Labcorp
Classification: Likely pathogenic for Dilated cardiomyopathy 1G; Autosomal recessive limb-girdle muscular dystrophy type 2J. Last evaluated: 2024-09-29. Review status: criteria provided, single submitter. Criteria: Invitae Variant Classification Sherloc (09022015). Collection method: clinical testing. Allele origin: germline.
Comment: This sequence change affects a donor splice site in intron 160 of the TTN gene. It is expected to disrupt RNA splicing and likely results in a truncated or disrupted TTN protein. This variant is not present in population databases (gnomAD no frequency). This variant has not been reported in the literature in individuals affected with TTN-related conditions. Algorithms developed to predict the effect of sequence changes on RNA splicing suggest that this variant may disrupt the consensus splice site. This variant is located in the I band of TTN (PMID: 25589632). Truncating variants in this region have been reported in individuals affected with autosomal recessive centronuclear myopathy (PMID: 23975875, internal data). Truncating variants in this region have also been identified in individuals affected with autosomal dominant dilated cardiomyopathy and/or cardio-related conditions (PMID: 27869827, 32964742, internal data). In summary, the currently available evidence indicates that the variant is pathogenic, but additional data are needed to prove that conclusively. Therefore, this variant has been classified as Likely Pathogenic.

Literature cited by the submitters: PubMed 25589632; PubMed 23975875; PubMed 27869827; PubMed 32964742.